The following is an entry in ClinVar:

NM_001943.5(DSG2):c.1657A>G (p.Ser553Gly)

Gene: DSG2 (desmoglein 2; plus strand). Cytogenetic location: 18q12.1.
Variant type: single nucleotide variant.
Coding change: c.1657A>G on transcript NM_001943.5 (MANE Select); coding-DNA position 1657, A replaced by G.
Protein change: p.Ser553Gly; replaces serine 553 with glycine.
Molecular consequence: missense variant.
Genome position (GRCh38, 1-based): chr18:31,538,756, A>G. VCF-style: chr18-31538756-A-G. GRCh37 (hg19) VCF-style: chr18-29118719-A-G.
Other names: short protein forms S553G.
Identifiers: ClinVar variation 3075192 (VCV003075192.1), dbSNP rs2510918873, ClinGen allele CA402136777.

ClinVar aggregate classification (germline): Uncertain significance (1 of 4 stars; one submission).

Conditions:
Arrhythmogenic right ventricular cardiomyopathy (ARVD). Also called: Arrhythmogenic right ventricular dysplasia; Cardiomyopathy, ARVC; Arrhythmogenic cardiomyopathy; Arrhythmogenic Right Ventricular Cardiomyopathy (ARVC). Identifiers: Orphanet 247, MedGen C0349788, MeSH D019571, MONDO:0016587. Disease mechanism: loss of function. Inheritance: Various modes of inheritance.

Submission:

All of Us Research Program, National Institutes of Health
Classification: Uncertain significance for Arrhythmogenic right ventricular cardiomyopathy. Last evaluated: 2023-12-18. Review status: criteria provided, single submitter. Criteria: ACMG Guidelines, 2015. Collection method: clinical testing. Allele origin: germline. Inheritance: Autosomal dominant inheritance. Observed: 1 variant allele, 1 heterozygote.
Comment: This missense variant replaces serine with glycine at codon 553 of the DSG2 protein. Computational prediction suggests that this variant may not impact protein structure and function (internally defined REVEL score threshold <= 0.5, PMID: 27666373). To our knowledge, functional studies have not been reported for this variant. This variant has not been reported in individuals affected with DSG2-related disorders in the literature. This variant has not been identified in the general population by the Genome Aggregation Database (gnomAD). The available evidence is insufficient to determine the role of this variant in disease conclusively. Therefore, this variant is classified as a Variant of Uncertain Significance.

This study involves interpretation of variants in research participants for the purpose of population health screening. Participant phenotype was not available at the time of variant classification. Additional details can be found in publication PMID: 35346344, PMCID: PMC8962531